The following is an entry in ClinVar:

NM_024675.4(PALB2):c.926T>C (p.Ile309Thr)

Gene: PALB2 (partner and localizer of BRCA2; minus strand). Cytogenetic location: 16p12.2.
Variant type: single nucleotide variant.
Coding change: c.926T>C on transcript NM_024675.4 (MANE Select); coding-DNA position 926, T replaced by C.
Protein change: p.Ile309Thr; replaces isoleucine 309 with threonine.
Molecular consequence: missense variant.
Genome position (GRCh38, 1-based): chr16:23,635,620, A>G on the plus strand (T>C on the coding strand, the complement: PALB2 is on the minus strand). VCF-style: chr16-23635620-A-G. GRCh37 (hg19) VCF-style: chr16-23646941-A-G.
Other names: c.866T>C, p.Ile289Thr (NM_001407296.1); c.926T>C, p.Ile309Thr (NM_001407297.1, NM_001407298.1, NM_001407299.1 and 3 more transcripts); c.41T>C, p.Ile14Thr (NM_001407304.1, NM_001407305.1, NM_001407306.1 and 5 more transcripts); short protein forms I309T, I14T, I289T.
Identifiers: ClinVar variation 2122363 (VCV002122363.6), dbSNP rs201588519, ClinGen allele CA395135287.

ClinVar aggregate classification (germline): Uncertain significance. Review status: criteria provided, multiple submitters, no conflicts (2 of 4 stars). 3 submissions from 3 submitters: Uncertain significance (3). Last evaluated 2025-10-22.

Conditions:
Hereditary cancer-predisposing syndrome. Also called: Hereditary Cancer Syndrome; Tumor predisposition; Neoplastic Syndromes, Hereditary; Hereditary neoplastic syndrome. Identifiers: Orphanet 140162, MedGen C0027672, MeSH D009386, MONDO:0015356.
Familial cancer of breast. Also called: BREAST CANCER, FAMILIAL; Hereditary breast cancer; hereditary breast carcinoma. Identifiers: Orphanet 227535, MedGen C0346153, MONDO:0016419, OMIM 114480. Disease mechanism: loss of function.

Submissions (3):

Ambry Genetics
Classification: Uncertain significance for Hereditary cancer-predisposing syndrome. Last evaluated: 2025-10-22. Review status: criteria provided, single submitter. Criteria: Ambry Variant Classification Scheme 2023. Collection method: clinical testing. Allele origin: germline.
Comment: The p.I309T variant (also known as c.926T>C), located in coding exon 4 of the PALB2 gene, results from a T to C substitution at nucleotide position 926. The isoleucine at codon 309 is replaced by threonine, an amino acid with similar properties. This amino acid position is conserved. In addition, this alteration is predicted to be tolerated by in silico analysis. Based on the available evidence, the clinical significance of this variant remains unclear.

Institute for Biomarker Research, Medical Diagnostic Laboratories, L.L.C.
Classification: Uncertain significance for Hereditary cancer-predisposing syndrome. Last evaluated: 2024-06-17. Review status: criteria provided, single submitter. Criteria: ACMG Guidelines, 2015. Collection method: clinical testing. Allele origin: germline.

Labcorp Genetics (formerly Invitae), Labcorp
Classification: Uncertain significance for Familial cancer of breast. Last evaluated: 2023-12-17. Review status: criteria provided, single submitter. Criteria: Invitae Variant Classification Sherloc (09022015). Collection method: clinical testing. Allele origin: germline.
Comment: This sequence change replaces isoleucine, which is neutral and non-polar, with threonine, which is neutral and polar, at codon 309 of the PALB2 protein (p.Ile309Thr). This variant is not present in population databases (gnomAD no frequency). This variant has not been reported in the literature in individuals affected with PALB2-related conditions. ClinVar contains an entry for this variant (Variation ID: 2122363). Advanced modeling of protein sequence and biophysical properties (such as structural, functional, and spatial information, amino acid conservation, physicochemical variation, residue mobility, and thermodynamic stability) performed at Invitae indicates that this missense variant is not expected to disrupt PALB2 protein function with a negative predictive value of 80%. In summary, the available evidence is currently insufficient to determine the role of this variant in disease. Therefore, it has been classified as a Variant of Uncertain Significance.